The following is an entry in ClinVar:

ClinVar aggregate classification (germline): Uncertain significance. Review status: criteria provided, multiple submitters, no conflicts (2 of 4 stars). 2 submissions from 2 submitters: Uncertain significance (2). Last evaluated 2024-06-11.

Allele frequency attached by ClinVar (database versions not stated): gnomAD 0.00001.

Submissions (2):

Labcorp Genetics (formerly Invitae), Labcorp
Classification: Uncertain significance. Last evaluated: 2024-06-11. Review status: criteria provided, single submitter. Criteria: Invitae Variant Classification Sherloc (09022015). Collection method: clinical testing. Allele origin: germline.
Comment: This sequence change replaces valine, which is neutral and non-polar, with leucine, which is neutral and non-polar, at codon 574 of the AHDC1 protein (p.Val574Leu). This variant is present in population databases (rs746985425, gnomAD 0.002%). This variant has not been reported in the literature in individuals affected with AHDC1-related conditions. ClinVar contains an entry for this variant (Variation ID: 2638569). An algorithm developed to predict the effect of missense changes on protein structure and function (PolyPhen-2) suggests that this variant is likely to be tolerated. In summary, the available evidence is currently insufficient to determine the role of this variant in disease. Therefore, it has been classified as a Variant of Uncertain Significance.

CeGaT Center for Human Genetics Tuebingen
Classification: Uncertain significance. Last evaluated: 2023-05-01. Review status: criteria provided, single submitter. Criteria: CeGaT Center For Human Genetics Tuebingen Variant Classification Criteria Version 2. Collection method: clinical testing. Allele origin: germline. Affected: yes. Observed: 1 variant allele.

NM_001371928.1(AHDC1):c.1720G>C (p.Val574Leu)

Gene: AHDC1 (AT-hook DNA binding motif containing 1; minus strand). Cytogenetic location: 1p36.11.
Variant type: single nucleotide variant.
Coding change: c.1720G>C on transcript NM_001371928.1 (MANE Select); coding-DNA position 1720, G replaced by C.
Protein change: p.Val574Leu; replaces valine 574 with leucine.
Molecular consequence: missense variant.
Genome position (GRCh38, 1-based): chr1:27,550,396, C>G on the plus strand (G>C on the coding strand, the complement: AHDC1 is on the minus strand). VCF-style: chr1-27550396-C-G. GRCh37 (hg19) VCF-style: chr1-27876907-C-G.
Other names: c.1720G>C, p.Val574Leu (NM_001029882.3); short protein forms V574L.
Identifiers: ClinVar variation 2638569 (VCV002638569.26), dbSNP rs746985425, ClinGen allele CA715900.
Genomic context (GRCh38, chr1:27,550,396, plus strand): 5'-GCTTCTGCTTCCGCCGCCGTCGTTTTTTTACCTCTGGCATGGCCATGGTGGCCGCTGCCA[C>G]AGTGGCTGCCTCGGCCGCCACCACAGCTGGCTCCTTGGGCTTGCCGGGACCCAGCAGCAG-3'
Protein context (NP_001358857.1, residues 564-584): PAVVAAEAAT[Val574Leu]AAATMAMPEV